The following is an entry in ClinVar:

NM_001458.5(FLNC):c.2506C>T (p.Pro836Ser)

Gene: FLNC (filamin C; plus strand). Cytogenetic location: 7q32.1.
Variant type: single nucleotide variant.
Coding change: c.2506C>T on transcript NM_001458.5 (MANE Select); coding-DNA position 2506, C replaced by T.
Protein change: p.Pro836Ser; replaces proline 836 with serine.
Molecular consequence: missense variant.
Genome position (GRCh38, 1-based): chr7:128,842,910, C>T. VCF-style: chr7-128842910-C-T. GRCh37 (hg19) VCF-style: chr7-128482964-C-T.
Other names: c.2506C>T, p.Pro836Ser (NM_001127487.2); short protein forms P836S.
Identifiers: ClinVar variation 1492222 (VCV001492222.10), dbSNP rs1422445527, ClinGen allele CA369191846.

ClinVar aggregate classification (germline): Uncertain significance. Review status: criteria provided, multiple submitters, no conflicts (2 of 4 stars). 2 submissions from 2 submitters: Uncertain significance (2). Last evaluated 2024-11-13.

Conditions:
Myofibrillar myopathy 5. Also called: FILAMINOPATHY, AUTOSOMAL DOMINANT; Filaminopathy (type). Identifiers: Orphanet 171445, MedGen C1836050, MONDO:0012289, OMIM 609524.
Distal myopathy with posterior leg and anterior hand involvement. Also called: WILLIAMS DISTAL MYOPATHY. Identifiers: Orphanet 63273, MedGen C3279722, MONDO:0013550, OMIM 614065.
Hypertrophic cardiomyopathy 26. Also called: Cardiomyopathy, familial hypertrophic, 26. Identifiers: Orphanet 75249, MedGen C4310749, MONDO:0014883, OMIM 617047.
Cardiovascular phenotype. Identifiers: MedGen CN230736.

Allele frequency attached by ClinVar (database versions not stated): gnomAD exomes below 0.00001; TOPMed below 0.00001.
gnomAD v4.1: 2 of 1,614,062 alleles (0.00012%); highest among the groups gnomAD compares: African/African-American, 0.0013%; no homozygotes.

Submissions (2):

Labcorp Genetics (formerly Invitae), Labcorp
Classification: Uncertain significance for Distal myopathy with posterior leg and anterior hand involvement; Myofibrillar myopathy 5; Hypertrophic cardiomyopathy 26. Last evaluated: 2024-11-13. Review status: criteria provided, single submitter. Criteria: Invitae Variant Classification Sherloc (09022015). Collection method: clinical testing. Allele origin: germline.
Comment: This sequence change replaces proline, which is neutral and non-polar, with serine, which is neutral and polar, at codon 836 of the FLNC protein (p.Pro836Ser). This variant is not present in population databases (gnomAD no frequency). This variant has not been reported in the literature in individuals affected with FLNC-related conditions. ClinVar contains an entry for this variant (Variation ID: 1492222). Invitae Evidence Modeling of protein sequence and biophysical properties (such as structural, functional, and spatial information, amino acid conservation, physicochemical variation, residue mobility, and thermodynamic stability) has been performed for this missense variant. However, the output from this modeling did not meet the statistical confidence thresholds required to predict the impact of this variant on FLNC protein function. In summary, the available evidence is currently insufficient to determine the role of this variant in disease. Therefore, it has been classified as a Variant of Uncertain Significance.

Ambry Genetics
Classification: Uncertain significance for Cardiovascular phenotype. Last evaluated: 2020-09-16. Review status: criteria provided, single submitter. Criteria: Ambry Variant Classification Scheme 2023. Collection method: clinical testing. Allele origin: germline.
Comment: The p.P836S variant (also known as c.2506C>T), located in coding exon 16 of the FLNC gene, results from a C to T substitution at nucleotide position 2506. The proline at codon 836 is replaced by serine, an amino acid with similar properties. This amino acid position is highly conserved in available vertebrate species. In addition, the in silico prediction for this alteration is inconclusive. Since supporting evidence is limited at this time, the clinical significance of this alteration remains unclear.